The following is an entry in ClinVar:

NM_002907.4(RECQL):c.72A>C (p.Gln24His)

Gene: RECQL (RecQ like helicase; minus strand). Cytogenetic location: 12p12.1.
Variant type: single nucleotide variant.
Coding change: c.72A>C on transcript NM_002907.4 (MANE Select); coding-DNA position 72, A replaced by C.
Protein change: p.Gln24His; replaces glutamine 24 with histidine.
Molecular consequence: missense variant.
Genome position (GRCh38, 1-based): chr12:21,491,661, T>G on the plus strand (A>C on the coding strand, the complement: RECQL is on the minus strand). VCF-style: chr12-21491661-T-G. GRCh37 (hg19) VCF-style: chr12-21644595-T-G.
Other names: c.72A>C, p.Gln24His (NM_032941.3); short protein forms Q24H.
Identifiers: ClinVar variation 3431822 (VCV003431822.1).

ClinVar aggregate classification (germline): Uncertain significance (1 of 4 stars; one submission).

Submission:

Ambry Genetics
Classification: Uncertain significance. Last evaluated: 2024-11-14. Review status: criteria provided, single submitter. Criteria: Ambry Variant Classification Scheme 2023. Collection method: clinical testing. Allele origin: germline.
Comment: The p.Q24H variant (also known as c.72A>C), located in coding exon 2 of the RECQL gene, results from an A to C substitution at nucleotide position 72. The glutamine at codon 24 is replaced by histidine, an amino acid with highly similar properties. This amino acid position is conserved. In addition, the in silico prediction for this alteration is inconclusive. Based on the available evidence, the clinical significance of this variant remains unclear.